The following is an entry in ClinVar:

NM_006231.4(POLE):c.3752G>A (p.Trp1251Ter)

Gene: POLE (DNA polymerase epsilon, catalytic subunit; minus strand). Cytogenetic location: 12q24.33.
Variant type: single nucleotide variant.
Coding change: c.3752G>A on transcript NM_006231.4 (MANE Select); coding-DNA position 3752, G replaced by A.
Protein change: p.Trp1251Ter; replaces tryptophan 1251 with a stop codon.
Molecular consequence: nonsense.
Genome position (GRCh38, 1-based): chr12:132,649,720, C>T on the plus strand (G>A on the coding strand, the complement: POLE is on the minus strand). VCF-style: chr12-132649720-C-T. GRCh37 (hg19) VCF-style: chr12-133226306-C-T.
Other names: c.3752G>A (NM_006231.2); short protein forms W1251*.
Identifiers: ClinVar variation 1468351 (VCV001468351.7), dbSNP rs2042376718, ClinGen allele CA387386144.

ClinVar aggregate classification (germline): Conflicting classifications of pathogenicity. Review status: criteria provided, conflicting classifications (1 of 4 stars). 2 submissions from 2 submitters: Pathogenic (1); Uncertain significance (1). Last evaluated 2026-01-30.

Conditions:
Hereditary cancer-predisposing syndrome. Also called: Neoplastic Syndromes, Hereditary; Tumor predisposition; Hereditary Cancer Syndrome; Hereditary neoplastic syndrome. Identifiers: Orphanet 140162, MedGen C0027672, MeSH D009386, MONDO:0015356.

Allele frequency attached by ClinVar (database versions not stated): gnomAD 0.00001.

Submissions (2):

Ambry Genetics
Classification: Uncertain significance for Hereditary cancer-predisposing syndrome. Last evaluated: 2026-01-30. Review status: criteria provided, single submitter. Criteria: Ambry Variant Classification Scheme 2023. Collection method: clinical testing. Allele origin: germline.
Comment: The p.W1251* variant (also known as c.3752G>A), located in coding exon 30 of the POLE gene, results from a G to A substitution at nucleotide position 3752. This changes the amino acid from a tryptophan to a stop codon within coding exon 30. This alteration is expected to result in loss of function by premature protein truncation or nonsense-mediated mRNA decay. Although biallelic loss of function of POLE has been associated with autosomal recessive POLE deficiency, haploinsufficiency of POLE has not been established as a mechanism of disease for POLE-related polymerase proofreading-associated polyposis (PPAP) and POLE-related CMMRD-like syndrome. Based on the supporting evidence, this variant is expected to be causative of POLE deficiency when present along with a second pathogenic variant on the other allele; however, its clinical significance for PPAP and POLE-related CMMRD-like syndrome is unclear.

Labcorp Genetics (formerly Invitae), Labcorp
Classification: Pathogenic. Last evaluated: 2022-05-12. Review status: criteria provided, single submitter. Criteria: Invitae Variant Classification Sherloc (09022015). Collection method: clinical testing. Allele origin: germline.
Comment: For these reasons, this variant has been classified as Pathogenic. Algorithms developed to predict the effect of sequence changes on RNA splicing suggest that this variant may create or strengthen a splice site. This variant has not been reported in the literature in individuals affected with POLE-related conditions. This variant is not present in population databases (gnomAD no frequency). This sequence change creates a premature translational stop signal (p.Trp1251*) in the POLE gene. It is expected to result in an absent or disrupted protein product. Loss-of-function variants in POLE are known to be pathogenic (PMID: 23230001, 25948378, 30503519).

Literature cited by the submitters: PubMed 23230001 (cited by Labcorp Genetics (formerly Invitae), Labcorp); PubMed 25948378 (cited by Labcorp Genetics (formerly Invitae), Labcorp); PubMed 30503519 (cited by Labcorp Genetics (formerly Invitae), Labcorp).